The following is an entry in ClinVar:

ClinVar aggregate classification (germline): Uncertain significance (1 of 4 stars; one submission).

gnomAD v4.1: 7 of 1,613,694 alleles (0.00043%); highest among the groups gnomAD compares: Non-Finnish European, 0.00042%; no homozygotes.

Submission:

GeneDx
Classification: Uncertain significance. Last evaluated: 2019-12-13. Review status: criteria provided, single submitter. Criteria: GeneDx Variant Classification Process June 2021. Collection method: clinical testing. Allele origin: germline. Affected: yes.
Comment: Not observed at a significant frequency in large population cohorts (Lek et al., 2016); In silico analysis, which includes protein predictors and evolutionary conservation, supports a deleterious effect; Has not been previously published as pathogenic or benign to our knowledge

NM_006005.3(WFS1):c.1726G>T (p.Gly576Cys)

Gene: WFS1 (wolframin ER transmembrane glycoprotein; plus strand). Cytogenetic location: 4p16.1.
Variant type: single nucleotide variant.
Coding change: c.1726G>T on transcript NM_006005.3 (MANE Select); coding-DNA position 1726, G replaced by T.
Protein change: p.Gly576Cys; replaces glycine 576 with cysteine.
Molecular consequence: missense variant.
Genome position (GRCh38, 1-based): chr4:6,301,521, G>T. VCF-style: chr4-6301521-G-T. GRCh37 (hg19) VCF-style: chr4-6303248-G-T.
Other names: c.1726G>T, p.Gly576Cys (NM_001145853.1); short protein forms G576C.
Identifiers: ClinVar variation 1320858 (VCV001320858.2), dbSNP rs1805069, ClinGen allele CA2839460.